The following is an entry in ClinVar:

ClinVar aggregate classification (germline): Likely benign (1 of 4 stars; one submission).

gnomAD v4.1: 10 of 1,561,430 alleles (0.00064%); highest among the groups gnomAD compares: African/African-American, 0.013%; no homozygotes.

Submission:

Mayo Clinic Laboratories, Mayo Clinic
Classification: Likely benign. Last evaluated: 2025-10-12. Review status: criteria provided, single submitter. Criteria: ACMG Guidelines, 2015. Collection method: clinical testing. Allele origin: germline. Observed: 1 variant allele.
Comment: BP4, BP7

NM_173551.5(ANKS6):c.852G>A (p.Arg284=)

Gene: ANKS6 (ankyrin repeat and sterile alpha motif domain containing 6; minus strand). Cytogenetic location: 9q22.33.
Variant type: single nucleotide variant.
Coding change: c.852G>A on transcript NM_173551.5 (MANE Select); coding-DNA position 852, G replaced by A.
Protein change: p.Arg284=; no amino-acid change (arginine 284 retained).
Molecular consequence: synonymous variant.
Genome position (GRCh38, 1-based): chr9:98,790,114, C>T on the plus strand (G>A on the coding strand, the complement: ANKS6 is on the minus strand). VCF-style: chr9-98790114-C-T. GRCh37 (hg19) VCF-style: chr9-101552396-C-T.
Other names: p.Arg284=.
Identifiers: ClinVar variation 4683407 (VCV004683407.1).
Genomic context (GRCh38, chr9:98,790,114, plus strand): 5'-AAACACAATTTGGGGTCCTCTGTGAAGCCACGGGGGGCATGCAGCCTGACCTGTTTTGGG[C>T]CTGACGGTGGTCAGCGGGTCCAGGTAGTCTACAAGGTCCCTGTGCTTGCAGTCCAGTGCA-3'
Protein context (NP_775822.3, residues 274-294): VDYLDPLTTV[Arg284=]PKTDEEKRRP